The following is an entry in ClinVar:

NM_004100.5(EYA4):c.566G>T (p.Ser189Ile)

Gene: EYA4 (EYA transcriptional coactivator and phosphatase 4; plus strand). Cytogenetic location: 6q23.2.
Variant type: single nucleotide variant.
Coding change: c.566G>T on transcript NM_004100.5 (MANE Select); coding-DNA position 566, G replaced by T.
Protein change: p.Ser189Ile; replaces serine 189 with isoleucine.
Molecular consequence: missense variant.
Genome position (GRCh38, 1-based): chr6:133,462,463, G>T. VCF-style: chr6-133462463-G-T. GRCh37 (hg19) VCF-style: chr6-133783601-G-T.
Other names: c.404G>T, p.Ser135Ile (NM_001301012.2, NM_001370459.1); c.566G>T, p.Ser189Ile (NM_001301013.2, NM_172105.4); c.497G>T, p.Ser166Ile (NM_001370458.1, NM_172103.4); short protein forms S189I, S135I, S166I.
Identifiers: ClinVar variation 1518611 (VCV001518611.8), dbSNP rs760755612, ClinGen allele CA148048811.

ClinVar aggregate classification (germline): Uncertain significance (1 of 4 stars; one submission).

Conditions:
Dilated cardiomyopathy 1J (CMD1J). Also called: CARDIOMYOPATHY, DILATED, WITH SENSORINEURAL HEARING LOSS, AUTOSOMAL DOMINANT. Identifiers: Orphanet 217622, MedGen C1854368, MONDO:0011541, OMIM 605362.

Submission:

Labcorp Genetics (formerly Invitae), Labcorp
Classification: Uncertain significance for Dilated cardiomyopathy 1J. Last evaluated: 2021-08-06. Review status: criteria provided, single submitter. Criteria: Invitae Variant Classification Sherloc (09022015). Collection method: clinical testing. Allele origin: germline.
Comment: This sequence change replaces serine with isoleucine at codon 189 of the EYA4 protein (p.Ser189Ile). The serine residue is moderately conserved and there is a large physicochemical difference between serine and isoleucine. This variant is not present in population databases (ExAC no frequency). This variant has not been reported in the literature in individuals with EYA4-related conditions. Algorithms developed to predict the effect of missense changes on protein structure and function are either unavailable or do not agree on the potential impact of this missense change (SIFT: "Deleterious"; PolyPhen-2: "Possibly Damaging"; Align-GVGD: "Class C15"). In summary, the available evidence is currently insufficient to determine the role of this variant in disease. Therefore, it has been classified as a Variant of Uncertain Significance.